The following is an entry in ClinVar:

NM_000517.6(HBA2):c.230T>C (p.Met77Thr)

Genes: HBA2 (hemoglobin subunit alpha 2; plus strand), LOC106804612 (hemoglobin subunit alpha 2 recombination region; plus strand). Cytogenetic location: 16p13.3.
Variant type: single nucleotide variant.
Coding change: c.230T>C on transcript NM_000517.6 (MANE Select); coding-DNA position 230, T replaced by C.
Protein change: p.Met77Thr; replaces methionine 77 with threonine.
Molecular consequence: missense variant.
Genome position (GRCh38, 1-based): chr16:173,259, T>C. VCF-style: chr16-173259-T-C. GRCh37 (hg19) VCF-style: chr16-223258-T-C.
Other names: short protein forms M77T.
Identifiers: ClinVar variation 2681964 (VCV002681964.1), dbSNP rs281864860, ClinGen allele CA276414876.
Genomic context (GRCh38, chr16:173,259, plus strand): 5'-AGGGCCACGGCAAGAAGGTGGCCGACGCGCTGACCAACGCCGTGGCGCACGTGGACGACA[T>C]GCCCAACGCGCTGTCCGCCCTGAGCGACCTGCACGCGCACAAGCTTCGGGTGGACCCGGT-3'
Protein context (NP_000508.1, residues 67-87): LTNAVAHVDD[Met77Thr]PNALSALSDL

ClinVar aggregate classification (germline): Uncertain significance (1 of 4 stars; one submission).

Allele frequency attached by ClinVar (database versions not stated): gnomAD exomes below 0.00001; gnomAD 0.00003; TOPMed 0.00004.

Submission:

Quest Diagnostics Nichols Institute San Juan Capistrano
Classification: Uncertain significance. Last evaluated: 2023-02-23. Review status: criteria provided, single submitter. Criteria: Quest Diagnostics criteria. Collection method: clinical testing. Allele origin: unknown.
Comment: The c.230T>C (p. Met77Thr) variant (Hb Aztec) is reported with normal clinical presentation in heterozygous state and associated with normal function. The frequency of this variant in the general population, 0.000006 (1/167268 chromosomes), is uninformative in assessment of its pathogenicity. Analysis of this variant using bioinformatics tools for the prediction of the effect of amino acid changes on protein structure and function yielded conflicting predictions that this variant is deleterious or benign. Based on the available information, we are unable to determine the clinical significance of this variant.

Literature cited by the submitters: PubMed 3935608; PubMed 32420790; PubMed 26635043.